The following is an entry in ClinVar:

GRCh37/hg19 1p36.33-36.22(chr1:82154-11784118)x1

Genes: CTNNBIP1 (catenin beta interacting protein 1; minus strand), DFFA (DNA fragmentation factor subunit alpha; minus strand), DFFB (DNA fragmentation factor subunit beta; plus strand), MIR200B (microRNA 200b; plus strand), SAMD11 (sterile alpha motif domain containing 11; plus strand) and 145 more. Cytogenetic location: 1p36.33-36.22.
Variant type: copy number loss.
Change: copy number 1 (one copy instead of two) of chr1:82,154-11,784,118 (11.70 Mb, GRCh37 coordinates, 1-based), cytogenetic band 1p36.33-36.22.
Identifiers: ClinVar variation 638124 (VCV000638124.2).

ClinVar aggregate classification (germline): Pathogenic (1 of 4 stars; one submission).

Submission:

Clinical Genomics Laboratory, Laboratory for Precision Diagnostics, University of Washington
Classification: Pathogenic. Last evaluated: 2018-10-22. Review status: criteria provided, single submitter. Criteria: Clinical Cytogenomics Laboratory Policy on CNV Interpretation. Collection method: clinical testing. Allele origin: unknown. Affected: yes. Observed: 1 variant allele.

Literature cited by the submitters: PubMed 20034100; PubMed 17918734; PubMed 12974736; PubMed 12687501.